The following is an entry in ClinVar:

ClinVar aggregate classification (germline): Benign. Review status: criteria provided, single submitter (1 of 4 stars). 2 submissions from 1 submitter: Benign (2). Last evaluated 2018-01-13.

Conditions:
Waardenburg syndrome. Also called: Waardenburg's syndrome. Identifiers: Orphanet 3440, MedGen C3266898, MONDO:0018094.
Craniofacial-deafness-hand syndrome (CDHS). Identifiers: Orphanet 1529, MedGen C1852510, MONDO:0007395, OMIM 122880.

Allele frequency attached by ClinVar (database versions not stated): gnomAD exomes 0.00105; gnomAD 0.01053 and 0.01121; TOPMed 0.01190; 1000 Genomes Project 0.01378; 1000 Genomes Project 30x 0.01499.
gnomAD v4.1: 3,011 of 1,459,256 alleles (0.21%); highest among the groups gnomAD compares: African/African-American, 3.8%; 50 homozygotes.

Submissions (2):

Illumina Laboratory Services, Illumina
Classification: Benign for Craniofacial-deafness-hand syndrome. Last evaluated: 2018-01-13. Review status: criteria provided, single submitter. Criteria: ICSL Variant Classification Criteria 13 December 2019. Collection method: clinical testing. Allele origin: germline.
Comment: This variant was observed in the ICSL laboratory as part of a predisposition screen in an ostensibly healthy population. It had not been previously curated by ICSL or reported in the Human Gene Mutation Database (HGMD: prior to June 1st, 2018), and was therefore a candidate for classification through an automated scoring system. Utilizing variant allele frequency, disease prevalence and penetrance estimates, and inheritance mode, an automated score was calculated to assess if this variant is too frequent to cause the disease. Based on the score and internal cut-off values, a variant classified as benign is not then subjected to further curation. The score for this variant resulted in a classification of benign for this disease.

Illumina Laboratory Services, Illumina
Classification: Benign for Waardenburg syndrome. Last evaluated: 2018-01-13. Review status: criteria provided, single submitter. Criteria: ICSL Variant Classification Criteria 13 December 2019. Collection method: clinical testing. Allele origin: germline.
Comment: the same text as in the submission from Illumina Laboratory Services, Illumina above.

NM_181458.4(PAX3):c.1420+220C>T

Gene: PAX3 (paired box 3; minus strand). Cytogenetic location: 2q36.1.
Variant type: single nucleotide variant.
Coding change: c.1420+220C>T on transcript NM_181458.4 (MANE Select); 220 bases into the intron after coding-DNA position 1420, C replaced by T.
Molecular consequence: intron variant. On other transcripts: 3 prime UTR variant (1).
Genome position (GRCh38, 1-based): chr2:222,201,724, G>A on the plus strand (C>T on the coding strand, the complement: PAX3 is on the minus strand). VCF-style: chr2-222201724-G-A. GRCh37 (hg19) VCF-style: chr2-223066443-G-A.
Other names: c.*200C>T (NM_181457.4); c.1417+220C>T (NM_001127366.3); c.1174-282C>T (NM_181460.4, NM_181461.4); c.1420+220C>T (NM_181459.4).
Identifiers: ClinVar variation 334551 (VCV000334551.5), dbSNP rs45624434, ClinGen allele CA10612892.
Genomic context (GRCh38, chr2:222,201,724, plus strand): 5'-TCAGGGATTATTTCATTTTGGCCAACCCTTGTGTTTTACCTAGTGGCAATCAGGTTTCAC[G>A]TCTCAACAATTAATAACCGCAAGATGTTGTTGACATCAGTTAAGAAAATAATTACACAAG-3'